The following is an entry in ClinVar:

ClinVar aggregate classification (germline): Uncertain significance (1 of 4 stars; one submission).

Allele frequency attached by ClinVar (database versions not stated): gnomAD exomes below 0.00001.
gnomAD v4.1: 2 of 1,604,116 alleles (0.00012%); highest among the groups gnomAD compares: East Asian, 0.0022%; no homozygotes.

Submission:

Labcorp Genetics (formerly Invitae), Labcorp
Classification: Uncertain significance. Last evaluated: 2022-06-18. Review status: criteria provided, single submitter. Criteria: Invitae Variant Classification Sherloc (09022015). Collection method: clinical testing. Allele origin: germline.
Comment: Algorithms developed to predict the effect of missense changes on protein structure and function (SIFT, PolyPhen-2, Align-GVGD) all suggest that this variant is likely to be tolerated. This sequence change replaces proline, which is neutral and non-polar, with serine, which is neutral and polar, at codon 1898 of the ADGRV1 protein (p.Pro1898Ser). This variant is not present in population databases (gnomAD no frequency). This variant has not been reported in the literature in individuals affected with ADGRV1-related conditions. In summary, the available evidence is currently insufficient to determine the role of this variant in disease. Therefore, it has been classified as a Variant of Uncertain Significance.

NM_032119.4(ADGRV1):c.5692C>T (p.Pro1898Ser)

Gene: ADGRV1 (adhesion G protein-coupled receptor V1; plus strand). Cytogenetic location: 5q14.3.
Variant type: single nucleotide variant.
Coding change: c.5692C>T on transcript NM_032119.4 (MANE Select); coding-DNA position 5692, C replaced by T.
Protein change: p.Pro1898Ser; replaces proline 1898 with serine.
Molecular consequence: missense variant. On other transcripts: non-coding transcript variant (1).
Genome position (GRCh38, 1-based): chr5:90,683,613, C>T. VCF-style: chr5-90683613-C-T. GRCh37 (hg19) VCF-style: chr5-89979430-C-T.
Other names: short protein forms P1898S.
Identifiers: ClinVar variation 2007853 (VCV002007853.4), dbSNP rs751687967, ClinGen allele CA360413175.